The following is an entry in ClinVar:

NM_138694.4(PKHD1):c.6996+4A>T

Gene: PKHD1 (PKHD1 ciliary IPT domain containing fibrocystin/polyductin; minus strand). Cytogenetic location: 6p12.2.
Variant type: single nucleotide variant.
Coding change: c.6996+4A>T on transcript NM_138694.4 (MANE Select); 4 bases into the intron after coding-DNA position 6996, A replaced by T.
Molecular consequence: intron variant.
Genome position (GRCh38, 1-based): chr6:51,903,593, T>A on the plus strand (A>T on the coding strand, the complement: PKHD1 is on the minus strand). VCF-style: chr6-51903593-T-A. GRCh37 (hg19) VCF-style: chr6-51768391-T-A.
Other names: c.6996+4A>T (NM_170724.3, NM_138694.3).
Identifiers: ClinVar variation 2136413 (VCV002136413.10), dbSNP rs781173081, ClinGen allele CA3852106.

ClinVar aggregate classification (germline): Conflicting classifications of pathogenicity. Review status: criteria provided, conflicting classifications (1 of 4 stars). 5 submissions from 5 submitters: Likely pathogenic (4); Uncertain significance (1). Last evaluated 2025-06-26.

Conditions:
Polycystic kidney disease 4 (PKD4). Also called: POLYCYSTIC KIDNEY AND HEPATIC DISEASE 1; POLYCYSTIC KIDNEY DISEASE, INFANTILE, TYPE I; PKD3; Autosomal Recessive Polycystic Kidney Disease – PKHD1; POLYCYSTIC KIDNEY DISEASE 4 WITH OR WITHOUT POLYCYSTIC LIVER DISEASE. Identifiers: MedGen C4540575, MONDO:0033004, OMIM 263200.
Autosomal recessive polycystic kidney disease (ARPKD). Also called: AR polycystic kidney disease. Identifiers: Orphanet 731, Orphanet 8378, MedGen C0085548, MeSH D017044, MONDO:0009889.

Allele frequency attached by ClinVar (database versions not stated): TOPMed below 0.00001; ExAC 0.00001.
gnomAD v4.1: 1 of 1,609,438 alleles (0.000062%); highest among the groups gnomAD compares: Admixed American, 0.0017%; no homozygotes.

Submissions (5):

Natera, Inc.
Classification: Likely pathogenic for Autosomal recessive polycystic kidney disease. Last evaluated: 2025-06-26. Review status: criteria provided, single submitter. Criteria: Natera Variant Classification Schema (03/2026). Collection method: clinical testing. Allele origin: germline.
Comment: The c.6996+4A>T variant in PKHD1 is an intronic variant located outside the canonical splice sites. This variant is rare in the general population with a frequency below the threshold expected for the associated phenotype(s). This variant has been observed in one or more individuals affected with the associated recessive disease, as either homozygous or compound heterozygous with a second variant (PMID: 12846734). Additionally, this variant has been observed to segregate in affected family members (PMID: 12846734). This variant has been identified in one or more affected individuals with a phenotype highly consistent with the associated gene (PMID: 12846734). Computational prediction algorithms indicate this variant is likely to affect gene or protein function. Given the available evidence, this variant is classified as Likely Pathogenic.

Fulgent Genetics
Classification: Likely pathogenic for Polycystic kidney disease 4. Last evaluated: 2024-01-20. Review status: criteria provided, single submitter. Criteria: ACMG Guidelines, 2015. Collection method: clinical testing. Allele origin: germline.

Labcorp Genetics (formerly Invitae), Labcorp
Classification: Likely pathogenic for Autosomal recessive polycystic kidney disease. Last evaluated: 2023-11-17. Review status: criteria provided, single submitter. Criteria: Invitae Variant Classification Sherloc (09022015). Collection method: clinical testing. Allele origin: germline.
Comment: This sequence change falls in intron 43 of the PKHD1 gene. It does not directly change the encoded amino acid sequence of the PKHD1 protein. It affects a nucleotide within the consensus splice site. This variant is present in population databases (rs781173081, gnomAD 0.003%). This variant has been observed in individual(s) with polycystic kidney disease (PMID: 12846734). In at least one individual the data is consistent with being in trans (on the opposite chromosome) from a pathogenic variant. It has also been observed to segregate with disease in related individuals. ClinVar contains an entry for this variant (Variation ID: 2136413). Variants that disrupt the consensus splice site are a relatively common cause of aberrant splicing (PMID: 17576681, 9536098). Algorithms developed to predict the effect of sequence changes on RNA splicing suggest that this variant may disrupt the consensus splice site. In summary, the currently available evidence indicates that the variant is pathogenic, but additional data are needed to prove that conclusively. Therefore, this variant has been classified as Likely Pathogenic.

Blueprint Genetics
Classification: Uncertain significance. Last evaluated: 2022-08-10. Review status: criteria provided, single submitter. Criteria: ACMG Guidelines, 2015. Collection method: clinical testing. Allele origin: germline.

Clinical Genetics Service, Universitary Hospital 12 de Octubre
Classification: Likely pathogenic for Polycystic kidney disease 4. Review status: criteria provided, single submitter. Criteria: ACMG Guidelines, 2015. Collection method: clinical testing. Allele origin: germline. Affected: yes.

Literature cited by the submitters: PubMed 12846734 (cited by Natera, Inc. and Labcorp Genetics (formerly Invitae), Labcorp); PubMed 17576681 (cited by Labcorp Genetics (formerly Invitae), Labcorp); PubMed 9536098 (cited by Labcorp Genetics (formerly Invitae), Labcorp).